The following is an entry in ClinVar:

ClinVar aggregate classification (germline): Uncertain significance. Review status: criteria provided, multiple submitters, no conflicts (2 of 4 stars). 2 submissions from 2 submitters: Uncertain significance (2). Last evaluated 2024-05-29.

Allele frequency attached by ClinVar (database versions not stated): ExAC 0.00002; gnomAD 0.00002; TOPMed 0.00002; gnomAD exomes 0.00003 and 0.00006.
gnomAD v4.1: 95 of 1,613,866 alleles (0.0059%); highest among the groups gnomAD compares: Non-Finnish European, 0.0075%; no homozygotes.

Submissions (2):

Blueprint Genetics
Classification: Uncertain significance. Last evaluated: 2024-05-29. Review status: criteria provided, single submitter. Criteria: ACMG Guidelines, 2015. Collection method: clinical testing. Allele origin: germline.

GeneDx
Classification: Uncertain significance. Last evaluated: 2020-06-24. Review status: criteria provided, single submitter. Criteria: GeneDx Variant Classification Process June 2021. Collection method: clinical testing. Allele origin: germline. Affected: yes.
Comment: Intronic +5 splice site variant in a gene for which loss-of-function is a known mechanism of disease, and both splice predictors and evolutionary conservation support a deleterious effect, although in the absence of functional evidence the actual effect of this sequence change is unknown.; Has not been previously published as pathogenic or benign to our knowledge

NM_005559.4(LAMA1):c.8397+5G>A

Gene: LAMA1 (laminin subunit alpha 1; minus strand). Cytogenetic location: 18p11.31.
Variant type: single nucleotide variant.
Coding change: c.8397+5G>A on transcript NM_005559.4 (MANE Select); 5 bases into the intron after coding-DNA position 8397, G replaced by A.
Molecular consequence: intron variant.
Genome position (GRCh38, 1-based): chr18:6,950,777, C>T on the plus strand (G>A on the coding strand, the complement: LAMA1 is on the minus strand). VCF-style: chr18-6950777-C-T. GRCh37 (hg19) VCF-style: chr18-6950776-C-T.
Identifiers: ClinVar variation 1312773 (VCV001312773.3), dbSNP rs748870112, ClinGen allele CA8880499.